The following is an entry in ClinVar:

ClinVar aggregate classification (germline): Uncertain significance (1 of 4 stars; one submission).

Conditions:
Long QT syndrome (LQTS). Identifiers: MedGen C0023976, MeSH D008133, MONDO:0002442. Disease mechanism: loss of function. Inheritance: Various modes of inheritance.

Allele frequency attached by ClinVar (database versions not stated): TOPMed below 0.00001.

Submission:

Labcorp Genetics (formerly Invitae), Labcorp
Classification: Uncertain significance for Long QT syndrome. Last evaluated: 2023-11-22. Review status: criteria provided, single submitter. Criteria: Invitae Variant Classification Sherloc (09022015). Collection method: clinical testing. Allele origin: germline.
Comment: This sequence change creates a premature translational stop signal (p.Lys92Glnfs*33) in the SNTA1 gene. It is expected to result in an absent or disrupted protein product. However, the current clinical and genetic evidence is not sufficient to establish whether loss-of-function variants in SNTA1 cause disease. This variant is present in population databases (no rsID available, gnomAD 0.02%). This variant has not been reported in the literature in individuals affected with SNTA1-related conditions. In summary, the available evidence is currently insufficient to determine the role of this variant in disease. Therefore, it has been classified as a Variant of Uncertain Significance.

NM_003098.3(SNTA1):c.273dup (p.Lys92fs)

Genes: SNTA1 (syntrophin alpha 1; minus strand), LOC130065679 (ATAC-STARR-seq lymphoblastoid silent region 12811; plus strand). Cytogenetic location: 20q11.21.
Variant type: Duplication.
Coding change: c.273dup on transcript NM_003098.3 (MANE Select); coding-DNA position 273, one base duplicated (C; older notation c.273dupC).
Protein change: p.Lys92fs; shifts the reading frame from lysine 92.
Molecular consequence: frameshift variant.
Genome position (GRCh38, 1-based): chr20:33,443,348, G duplicated on the plus strand (C on the coding strand, the reverse complement: SNTA1 is on the minus strand). VCF-style (leftmost placement, unchanged base first): chr20-33443347-T-TG. GRCh37 (hg19) VCF-style: chr20-32031153-T-TG.
Other names: c.273dup, p.Lys92fs (NM_001424413.1, NM_001424414.1); short protein forms K92fs.
Identifiers: ClinVar variation 2881314 (VCV002881314.3), dbSNP rs1384379291, ClinGen allele CA635294040.